The following is an entry in ClinVar:

ClinVar aggregate classification (germline): Pathogenic/Likely pathogenic. Review status: criteria provided, multiple submitters, no conflicts (2 of 4 stars). 3 submissions from 3 submitters: Pathogenic (2); Likely pathogenic (1). Last evaluated 2025-10-29.

Conditions:
Cardiovascular phenotype. Identifiers: MedGen CN230736.
Amyloidosis, hereditary systemic 1 (AMYLD1). Also called: Familial amyloid polyneuropathy; Transthyretin Amyloidosis; Amyloid Cardiomyopathy, Transthyretin-related; Hereditary oculoleptomeningeal amyloid angiopathy; Familial Transthyretin Amyloidosis; AMYLOID CARDIOMYOPATHY. Identifiers: Orphanet 85447, Orphanet 85451, MedGen C2751492, MONDO:0971004, OMIM 105210.

Submissions (3):

Labcorp Genetics (formerly Invitae), Labcorp
Classification: Likely pathogenic for Amyloidosis, hereditary systemic 1. Last evaluated: 2025-10-29. Review status: criteria provided, single submitter. Criteria: Invitae Variant Classification Sherloc (09022015). Collection method: clinical testing. Allele origin: germline.
Comment: This sequence change replaces glycine, which is neutral and non-polar, with valine, which is neutral and non-polar, at codon 67 of the TTR protein (p.Gly67Val). This variant also falls at the last nucleotide of exon 2, which is part of the consensus splice site for this exon. This variant is not present in population databases (gnomAD no frequency). This missense change has been observed in individual(s) with hereditary transthyretin-mediated amyloidosis (hATTR amyloidosis) (PMID: 7599630, 25997029, 26986100, 27143678). This variant is also known as G47V. ClinVar contains an entry for this variant (Variation ID: 938206). An algorithm developed to predict the effect of missense changes on protein structure and function (PolyPhen-2) suggests that this variant is likely to be disruptive. Variants that disrupt the consensus splice site are a relatively common cause of aberrant splicing (PMID: 17576681, 9536098). This variant disrupts the c.200G nucleotide in the TTR gene. Other variant(s) that disrupt this nucleotide have been determined to be pathogenic (PMID: 12000196, 20209591). This suggests that this nucleotide is clinically significant, and that variants that disrupt this position are likely to be disease-causing. In summary, the currently available evidence indicates that the variant is pathogenic, but additional data are needed to prove that conclusively. Therefore, this variant has been classified as Likely Pathogenic.

Ambry Genetics
Classification: Pathogenic for Cardiovascular phenotype. Last evaluated: 2025-10-15. Review status: criteria provided, single submitter. Criteria: Ambry Variant Classification Scheme 2023. Collection method: clinical testing. Allele origin: germline.
Comment: The p.G67V pathogenic mutation (also known as c.200G>T), located in coding exon 2 of the TTR gene, results from a G to T substitution at nucleotide position 200. The amino acid change results in glycine to valine at codon 67, an amino acid with dissimilar properties. However, this change occurs in the last base pair of coding exon 2, which makes it likely to have some effect on normal mRNA splicing. This variant was detected in multiple individuals with TTR-related amyloidosis (Saraiva MJ. Hum. Mutat., 1995;5:191-6; Suenaga G et al. Sci Rep, 2017 05;7:1579). Different alterations at this same position (c.200G>C G67A, c.200G>A G67E) have been reported in multiple individuals with TTR-related amyloidosis (Ferlini A et al. Hum. Mutat., 1994;4:61-4; Pelo E et al. Amyloid, 2002 Mar;9:35-41; Barreiros AP et al. Liver Transpl., 2010 Mar;16:314-23; Rapezzi C et al. Eur. Heart J., 2013 Feb;34:520-8). This nucleotide position is highly conserved in available vertebrate species. This amino acid position is highly conserved in available vertebrate species. In silico splice site analysis predicts that this alteration will not have any significant effect on splicing. In addition, as a missense substitution, this is predicted to be deleterious by in silico analysis. This variant is considered to be rare based on population cohorts in the Genome Aggregation Database (gnomAD). Based on the supporting evidence, this variant is interpreted as a disease-causing mutation.

Women's Health and Genetics/Laboratory Corporation of America, LabCorp
Classification: Pathogenic for Amyloidosis, hereditary systemic 1. Last evaluated: 2024-02-13. Review status: criteria provided, single submitter. Criteria: LabCorp Variant Classification Summary - May 2015. Collection method: clinical testing. Allele origin: germline.
Comment: Variant summary: TTR c.200G>T (p.Gly67Val) results in a non-conservative amino acid change located in the Transthyretin/hydroxyisourate hydrolase domain (IPR023416) of the encoded protein sequence. Five of five in-silico tools predict a damaging effect of the variant on protein function. Several computational tools predict a significant impact on normal splicing: Three predict the variant weakens a 5' donor site. However, these predictions have yet to be confirmed by functional studies. The variant was absent in 251460 control chromosomes (gnomAD). c.200G>T has been reported in the literature in multiple individuals affected with Transthyretin Amyloidosis (Gillmore_2015, Gillmore_2016, Low_2021). These data indicate that the variant is very likely to be associated with disease. To our knowledge, no experimental evidence demonstrating an impact on protein function has been reported. The following publications have been ascertained in the context of this evaluation (PMID: 26243339, 27143678, 34059423). ClinVar contains an entry for this variant (Variation ID: 938206). Based on the evidence outlined above, the variant was classified as pathogenic.

Literature cited by the submitters: PubMed 7599630 (cited by Labcorp Genetics (formerly Invitae), Labcorp and Ambry Genetics); PubMed 25997029 (cited by Labcorp Genetics (formerly Invitae), Labcorp and Ambry Genetics); PubMed 26986100 (cited by Labcorp Genetics (formerly Invitae), Labcorp and Ambry Genetics); PubMed 27143678 (cited by Labcorp Genetics (formerly Invitae), Labcorp and Women's Health and Genetics/Laboratory Corporation of America, LabCorp); PubMed 17576681 (cited by Labcorp Genetics (formerly Invitae), Labcorp); PubMed 9536098 (cited by Labcorp Genetics (formerly Invitae), Labcorp); PubMed 12000196 (cited by Labcorp Genetics (formerly Invitae), Labcorp and Ambry Genetics); PubMed 20209591 (cited by Labcorp Genetics (formerly Invitae), Labcorp and Ambry Genetics); PubMed 10845569 (cited by Ambry Genetics); PubMed 22745357 (cited by Ambry Genetics); PubMed 28484271 (cited by Ambry Genetics); PubMed 7951260 (cited by Ambry Genetics); PubMed 26243339 (cited by Women's Health and Genetics/Laboratory Corporation of America, LabCorp); PubMed 34059423 (cited by Women's Health and Genetics/Laboratory Corporation of America, LabCorp).

NM_000371.4(TTR):c.200G>T (p.Gly67Val)

Gene: TTR (transthyretin; plus strand). Cytogenetic location: 18q12.1.
Variant type: single nucleotide variant.
Coding change: c.200G>T on transcript NM_000371.4 (MANE Select); coding-DNA position 200, G replaced by T.
Protein change: p.Gly67Val; replaces glycine 67 with valine.
Molecular consequence: missense variant.
Genome position (GRCh38, 1-based): chr18:31,593,026, G>T. VCF-style: chr18-31593026-G-T. GRCh37 (hg19) VCF-style: chr18-29172989-G-T.
Other names: short protein forms G67V.
Identifiers: ClinVar variation 938206 (VCV000938206.13), dbSNP rs121918090, ClinGen allele CA402156883.